The following is an entry in ClinVar:

NM_002335.4(LRP5):c.2051T>C (p.Val684Ala)

Gene: LRP5 (LDL receptor related protein 5; plus strand). Cytogenetic location: 11q13.2.
Variant type: single nucleotide variant.
Coding change: c.2051T>C on transcript NM_002335.4 (MANE Select); coding-DNA position 2051, T replaced by C.
Protein change: p.Val684Ala; replaces valine 684 with alanine.
Molecular consequence: missense variant.
Genome position (GRCh38, 1-based): chr11:68,406,773, T>C. VCF-style: chr11-68406773-T-C. GRCh37 (hg19) VCF-style: chr11-68174241-T-C.
Other names: c.308T>C, p.Val103Ala (NM_001291902.2); short protein forms V103A, V684A.
Identifiers: ClinVar variation 1050777 (VCV001050777.31), dbSNP rs1339222045, ClinGen allele CA381615851.
Genomic context (GRCh38, chr11:68,406,773, plus strand): 5'-ACAACGACGTGGCCATCCCGCTCACGGGCGTCAAGGAGGCCTCAGCCCTGGACTTTGATG[T>C]GTCCAACAACCACATCTACTGGACAGACGTCAGCCTGAAGGTAGCGTGGGCCAGAACGTG-3'
Protein context (NP_002326.2, residues 674-694): VKEASALDFD[Val684Ala]SNNHIYWTDV

ClinVar aggregate classification (germline): Uncertain significance. Review status: criteria provided, multiple submitters, no conflicts (2 of 4 stars). 4 submissions from 4 submitters: Uncertain significance (3). 1 of the submissions does not count toward it. Last evaluated 2025-10-15.

Conditions:
Exudative vitreoretinopathy 4 (EVR4). Identifiers: Orphanet 891, MedGen C1866176, MONDO:0011151, OMIM 601813.
Exudative vitreoretinopathy 1 (EVR1). Also called: CRISWICK-SCHEPENS SYNDROME; FEVR, AUTOSOMAL DOMINANT; Familial exudative vitreoretinopathy, autosomal dominant. Identifiers: Orphanet 891, Orphanet 90050, MedGen C1851402, MONDO:0007589, OMIM 133780.
Worth disease. Also called: Autosomal dominant osteosclerosis, Worth type; ENDOSTEAL HYPEROSTOSIS, AUTOSOMAL DOMINANT; OSTEOSCLEROSIS, AUTOSOMAL DOMINANT. Identifiers: Orphanet 2790, MedGen C0432273, MONDO:0007764, OMIM 144750.
Osteoporosis. Identifiers: MedGen C0029456, MONDO:0005298, OMIM 166710, HP:0000939.
Osteoporosis with pseudoglioma (OPPG). Also called: osteoporosis-pseudoglioma syndrome. Identifiers: Orphanet 2788, MedGen C0432252, MONDO:0009820, OMIM 259770.
Bone mineral density quantitative trait locus 1 (BMND1). Identifiers: MedGen C1866079, OMIM 601884.
Autosomal dominant osteopetrosis 1 (OPTA1). Also called: OSTEOPETROSIS, AUTOSOMAL DOMINANT, TYPE I. Identifiers: Orphanet 2783, MedGen C1843330, MONDO:0011877, OMIM 607634.
Polycystic liver disease 4 with or without kidney cysts. Identifiers: MedGen C4693479, MONDO:0044327, OMIM 617875.

Allele frequency attached by ClinVar (database versions not stated): gnomAD 0.00001; gnomAD exomes 0.00001; TOPMed 0.00002.
gnomAD v4.1: 12 of 1,614,014 alleles (0.00074%); highest among the groups gnomAD compares: Non-Finnish European, 0.00093%; no homozygotes.

Submissions (4):

Labcorp Genetics (formerly Invitae), Labcorp
Classification: Uncertain significance. Last evaluated: 2025-10-15. Review status: criteria provided, single submitter. Criteria: Invitae Variant Classification Sherloc (09022015). Collection method: clinical testing. Allele origin: germline.
Comment: This sequence change replaces valine, which is neutral and non-polar, with alanine, which is neutral and non-polar, at codon 684 of the LRP5 protein (p.Val684Ala). This variant is present in population databases (no rsID available, gnomAD 0.003%). This variant has not been reported in the literature in individuals affected with LRP5-related conditions. ClinVar contains an entry for this variant (Variation ID: 1050777). Invitae Evidence Modeling of protein sequence and biophysical properties (such as structural, functional, and spatial information, amino acid conservation, physicochemical variation, residue mobility, and thermodynamic stability) indicates that this missense variant is not expected to disrupt LRP5 protein function with a negative predictive value of 95%. In summary, the available evidence is currently insufficient to determine the role of this variant in disease. Therefore, it has been classified as a Variant of Uncertain Significance.

CeGaT Center for Human Genetics Tuebingen
Classification: Uncertain significance. Last evaluated: 2024-11-01. Review status: criteria provided, single submitter. Criteria: CeGaT Center For Human Genetics Tuebingen Variant Classification Criteria Version 2. Collection method: clinical testing. Allele origin: germline. Affected: yes. Observed: 2 variant alleles.
Comment: LRP5: PM2

Fulgent Genetics
Classification: Uncertain significance for Exudative vitreoretinopathy 1; Worth disease; Osteoporosis; Osteoporosis with pseudoglioma; Exudative vitreoretinopathy 4; Bone mineral density quantitative trait locus 1; Autosomal dominant osteopetrosis 1; Polycystic liver disease 4 with or without kidney cysts. Last evaluated: 2022-05-31. Review status: criteria provided, single submitter. Criteria: ACMG Guidelines, 2015. Collection method: clinical testing. Allele origin: unknown.

Department of Pathology and Laboratory Medicine, Sinai Health System
Classification: Uncertain significance. Review status: no assertion criteria provided. Collection method: clinical testing. Allele origin: unknown. Affected: yes. Study: The Canadian Open Genetics Repository (COGR). Not counted in ClinVar's aggregate classification.
Comment: The LRP5 p.Val103Ala variant was not identified in the literature nor was it identified in ClinVar or LOVD 3.0. The variant was identified in dbSNP (ID: rs1339222045) and in control databases in 3 of 251262 chromosomes at a frequency of 0.000012 (Genome Aggregation Database March 6, 2019, v2.1.1). The variant was observed in the following populations: Other in 1 of 6126 chromosomes (freq: 0.000163) and European (non-Finnish) in 2 of 113630 chromosomes (freq: 0.000018), but was not observed in the African, Latino, Ashkenazi Jewish, East Asian, European (Finnish), or South Asian populations. The p.Val103 residue is conserved in mammals and computational analyses (PolyPhen-2, SIFT, AlignGVGD, BLOSUM, MutationTaster) provide inconsistent predictions regarding the impact to the protein; this information is not very predictive of pathogenicity. The variant occurs outside of the splicing consensus sequence and in silico or computational prediction software programs (SpliceSiteFinder, MaxEntScan, NNSPLICE, GeneSplicer) do not predict a difference in splicing. In summary, based on the above information the clinical significance of this variant cannot be determined with certainty at this time. This variant is classified as a variant of uncertain significance.